The following is an entry in ClinVar:

ClinVar aggregate classification (germline): Pathogenic (1 of 4 stars; one submission).

Conditions:
Juvenile polyposis syndrome (JPS). Identifiers: Orphanet 2929, MedGen C0345893, MONDO:0017380, OMIM 174900.

Submission:

Labcorp Genetics (formerly Invitae), Labcorp
Classification: Pathogenic for Juvenile polyposis syndrome. Last evaluated: 2023-09-17. Review status: criteria provided, single submitter. Criteria: Invitae Variant Classification Sherloc (09022015). Collection method: clinical testing. Allele origin: unknown.
Comment: For these reasons, this variant has been classified as Pathogenic. This variant has not been reported in the literature in individuals affected with BMPR1A-related conditions. This variant is a gross deletion of the genomic region encompassing exon(s) 8 of the BMPR1A gene. This deletion is out-of-frame, and is expected to create a premature termination codon and result in an absent or disrupted protein product. Loss-of-function variants in BMPR1A are known to be pathogenic (PMID: 11536076, 12417513).

Literature cited by the submitters: PubMed 11536076; PubMed 12417513.

NC_000010.10:g.(?_88671987)_(88672151_?)del

Gene: BMPR1A (bone morphogenetic protein receptor type 1A; plus strand). Cytogenetic location: 10q23.2.
Variant type: Deletion.
Identifiers: ClinVar variation 3244824 (VCV003244824.1).